The following is an entry in ClinVar:

ClinVar aggregate classification (germline): Uncertain significance. Review status: criteria provided, multiple submitters, no conflicts (2 of 4 stars). 4 submissions from 4 submitters: Uncertain significance (3). 1 of the submissions does not count toward it. Last evaluated 2023-12-16.

Conditions:
Inborn genetic diseases. Identifiers: MedGen C0950123, MeSH D030342.
Leber congenital amaurosis 3 (LCA3). Also called: SPATA7-Related Retinitis Pigmentosa. Identifiers: MedGen C1858677, MONDO:0011415, OMIM 604232.
Optic atrophy. Identifiers: MedGen C0029124, MONDO:0003608, HP:0000648.

Allele frequency attached by ClinVar (database versions not stated): gnomAD 0.00001; gnomAD exomes 0.00001 and 0.00002; TOPMed 0.00001; ExAC 0.00002; 1000 Genomes Project 30x 0.00016; 1000 Genomes Project 0.00020.
gnomAD v4.1: 26 of 1,613,998 alleles (0.0016%); highest among the groups gnomAD compares: Admixed American, 0.005%; no homozygotes.

Submissions (4):

Ambry Genetics
Classification: Uncertain significance for Inborn genetic diseases. Last evaluated: 2023-12-16. Review status: criteria provided, single submitter. Criteria: Ambry Variant Classification Scheme 2023. Collection method: clinical testing. Allele origin: germline.

Labcorp Genetics (formerly Invitae), Labcorp
Classification: Uncertain significance for Leber congenital amaurosis 3. Last evaluated: 2022-06-27. Review status: criteria provided, single submitter. Criteria: Invitae Variant Classification Sherloc (09022015). Collection method: clinical testing. Allele origin: germline.
Comment: In summary, the available evidence is currently insufficient to determine the role of this variant in disease. Therefore, it has been classified as a Variant of Uncertain Significance. Algorithms developed to predict the effect of missense changes on protein structure and function are either unavailable or do not agree on the potential impact of this missense change (SIFT: "Deleterious"; PolyPhen-2: "Possibly Damaging"; Align-GVGD: "Class C0"). ClinVar contains an entry for this variant (Variation ID: 916161). This variant has not been reported in the literature in individuals affected with SPATA7-related conditions. This variant is present in population databases (rs545998461, gnomAD 0.007%). This sequence change replaces serine, which is neutral and polar, with leucine, which is neutral and non-polar, at codon 476 of the SPATA7 protein (p.Ser476Leu).

CeGaT Center for Human Genetics Tuebingen
Classification: Uncertain significance. Last evaluated: 2020-03-01. Review status: criteria provided, single submitter. Criteria: CeGaT Center For Human Genetics Tuebingen Variant Classification Criteria Version 2. Collection method: clinical testing. Allele origin: germline. Affected: yes. Observed: 1 variant allele.

Institute of Human Genetics, Univ. Regensburg, Univ. Regensburg
Classification: Uncertain significance for Optic atrophy. Last evaluated: 2022-01-01. Review status: no assertion criteria provided. Criteria: ACMG Guidelines, 2015. Collection method: clinical testing. Allele origin: germline. Affected: yes. Not counted in ClinVar's aggregate classification.

NM_018418.5(SPATA7):c.1427C>T (p.Ser476Leu)

Gene: SPATA7 (spermatogenesis associated 7; plus strand). Cytogenetic location: 14q31.3.
Variant type: single nucleotide variant.
Coding change: c.1427C>T on transcript NM_018418.5 (MANE Select); coding-DNA position 1427, C replaced by T.
Protein change: p.Ser476Leu; replaces serine 476 with leucine.
Molecular consequence: missense variant.
Genome position (GRCh38, 1-based): chr14:88,438,049, C>T. VCF-style: chr14-88438049-C-T. GRCh37 (hg19) VCF-style: chr14-88904393-C-T.
Other names: c.1331C>T, p.Ser444Leu (NM_001040428.4); c.1427C>T (NM_018418.4); short protein forms S444L, S476L.
Identifiers: ClinVar variation 916161 (VCV000916161.45), dbSNP rs545998461, ClinGen allele CA7298812.